The following is an entry in ClinVar:

ClinVar aggregate classification (germline): Conflicting classifications of pathogenicity. Review status: criteria provided, conflicting classifications (1 of 4 stars). 2 submissions from 2 submitters: Uncertain significance (1); Likely benign (1). Last evaluated 2022-08-09.

Conditions:
Charcot-Marie-Tooth disease axonal type 2O. Also called: CHARCOT-MARIE-TOOTH NEUROPATHY, AXONAL, TYPE 2O; CHARCOT-MARIE-TOOTH DISEASE, AXONAL, AUTOSOMAL DOMINANT, TYPE 2O; Charcot-Marie-Tooth Neuropathy Type 2O; Charcot-Marie-Tooth disease, axonal, type 20. Identifiers: Orphanet 284232, MedGen C3280220, MONDO:0013644, OMIM 614228.
Charcot-Marie-Tooth disease. Also called: Charcot-Marie-Tooth Hereditary Neuropathy; Charcot-Marie-Tooth Neuropathy. Identifiers: Orphanet 166, MedGen C0007959, MONDO:0015626.

Allele frequency attached by ClinVar (database versions not stated): gnomAD exomes below 0.00001.
gnomAD v4.1: 4 of 1,613,742 alleles (0.00025%); highest among the groups gnomAD compares: Non-Finnish European, 0.00034%; no homozygotes.

Submissions (2):

Labcorp Genetics (formerly Invitae), Labcorp
Classification: Uncertain significance for Charcot-Marie-Tooth disease axonal type 2O. Last evaluated: 2022-08-09. Review status: criteria provided, single submitter. Criteria: Invitae Variant Classification Sherloc (09022015). Collection method: clinical testing. Allele origin: germline.
Comment: Algorithms developed to predict the effect of sequence changes on RNA splicing suggest that this variant may create or strengthen a splice site. In summary, the available evidence is currently insufficient to determine the role of this variant in disease. Therefore, it has been classified as a Variant of Uncertain Significance. ClinVar contains an entry for this variant (Variation ID: 649397). This sequence change affects codon 847 of the DYNC1H1 mRNA. It is a 'silent' change, meaning that it does not change the encoded amino acid sequence of the DYNC1H1 protein. This variant is not present in population databases (gnomAD no frequency). This variant has not been reported in the literature in individuals affected with DYNC1H1-related conditions.

Molecular Genetics Laboratory, London Health Sciences Centre
Classification: Likely benign for Charcot-Marie-Tooth disease. Review status: criteria provided, single submitter. Criteria: ACMG Guidelines, 2015. Collection method: clinical testing. Allele origin: germline. Affected: yes.

NM_001376.5(DYNC1H1):c.2541G>A (p.Val847=)

Gene: DYNC1H1 (dynein cytoplasmic 1 heavy chain 1; plus strand). Cytogenetic location: 14q32.31.
Variant type: single nucleotide variant.
Coding change: c.2541G>A on transcript NM_001376.5 (MANE Select); coding-DNA position 2541, G replaced by A.
Protein change: p.Val847=; no amino-acid change (valine 847 retained).
Molecular consequence: synonymous variant.
Genome position (GRCh38, 1-based): chr14:101,987,455, G>A. VCF-style: chr14-101987455-G-A. GRCh37 (hg19) VCF-style: chr14-102453792-G-A.
Identifiers: ClinVar variation 649397 (VCV000649397.9), dbSNP rs1595601645, ClinGen allele CA487966360.
Genomic context (GRCh38, chr14:101,987,455, plus strand): 5'-AGAATAAAGGAACAGAGTGTGAGTGGGTGTTTTAAATATTAAATATTTCTTCCTTCAGGT[G>A]GATGATCTGCTGATCATTGAAGAAAAAATAGACCTAGAAGTCCGTTCCTTGGAAACTTGT-3'
Protein context (NP_001367.2, residues 837-857): AETVFNFQEK[Val847=]DDLLIIEEKI